The following is an entry in ClinVar:

ClinVar aggregate classification (germline): Uncertain significance. Review status: criteria provided, multiple submitters, no conflicts (2 of 4 stars). 6 submissions from 6 submitters: Uncertain significance (6). Last evaluated 2026-09-28.

Conditions:
Thyroid dyshormonogenesis 6 (TDH6). Also called: THYROID HORMONOGENESIS, GENETIC DEFECT IN, 6; Genetic transient congenital hypothyroidism; HYPOTHYROIDISM, CONGENITAL, DUE TO DYSHORMONOGENESIS, 6. Identifiers: Orphanet 226316, Orphanet 95716, MedGen C1846632, MONDO:0011792, OMIM 607200.
DUOX2-related disorder. Also called: DUOX2-related condition.
Inborn genetic diseases. Identifiers: MedGen C0950123, MeSH D030342.

Allele frequency attached by ClinVar (database versions not stated): TOPMed 0.00027; gnomAD 0.00034 and 0.00032; gnomAD exomes 0.00027 and 0.00044; ESP Exome Variant Server 0.00031; ExAC 0.00036.
gnomAD v4.1: 678 of 1,614,072 alleles (0.042%); highest among the groups gnomAD compares: Non-Finnish European, 0.055%; 1 homozygote.

Submissions (6):

GeneDx
Classification: Uncertain significance. Last evaluated: 2026-09-28. Review status: criteria provided, single submitter. Criteria: GeneDx Variant Classification Process June 2021. Collection method: clinical testing. Allele origin: germline.
Comment: Variant reported in participants of a wellness study regarding inflammatory bowel disease, but patient-level information was not provided (PMID: 33651715); In silico analysis supports that this missense variant has a deleterious effect on protein structure/function; This variant is associated with the following publications: (PMID: 33651715)

PreventionGenetics, part of Exact Sciences
Classification: Uncertain significance for DUOX2-related condition. Last evaluated: 2025-10-22. Review status: criteria provided, single submitter. Criteria: ACMG Guidelines, 2015. Collection method: clinical testing. Allele origin: germline.
Comment: The DUOX2 c.1415C>A variant is predicted to result in the amino acid substitution p.Ala472Asp. To our knowledge, this variant has not been reported in individuals with DUOX2-related disorders. This variant is reported in 0.056% of alleles in individuals of European (Non-Finnish) descent in gnomAD. At this time, the clinical significance of this variant is uncertain due to the absence of conclusive functional and genetic evidence.

Labcorp Genetics (formerly Invitae), Labcorp
Classification: Uncertain significance. Last evaluated: 2025-01-20. Review status: criteria provided, single submitter. Criteria: Invitae Variant Classification Sherloc (09022015). Collection method: clinical testing. Allele origin: germline.
Comment: This sequence change replaces alanine, which is neutral and non-polar, with aspartic acid, which is acidic and polar, at codon 472 of the DUOX2 protein (p.Ala472Asp). This variant is present in population databases (rs201703879, gnomAD 0.06%). This variant has not been reported in the literature in individuals affected with DUOX2-related conditions. ClinVar contains an entry for this variant (Variation ID: 886073). Invitae Evidence Modeling of protein sequence and biophysical properties (such as structural, functional, and spatial information, amino acid conservation, physicochemical variation, residue mobility, and thermodynamic stability) indicates that this missense variant is not expected to disrupt DUOX2 protein function with a negative predictive value of 80%. In summary, the available evidence is currently insufficient to determine the role of this variant in disease. Therefore, it has been classified as a Variant of Uncertain Significance.

Ambry Genetics
Classification: Uncertain significance for Inborn genetic diseases. Last evaluated: 2022-11-10. Review status: criteria provided, single submitter. Criteria: Ambry Variant Classification Scheme 2023. Collection method: clinical testing. Allele origin: germline.

Fulgent Genetics
Classification: Uncertain significance for Thyroid dyshormonogenesis 6. Last evaluated: 2021-12-16. Review status: criteria provided, single submitter. Criteria: ACMG Guidelines, 2015. Collection method: clinical testing. Allele origin: unknown.

Illumina Laboratory Services, Illumina
Classification: Uncertain significance for Thyroid dyshormonogenesis 6. Last evaluated: 2018-01-12. Review status: criteria provided, single submitter. Criteria: ICSL Variant Classification Criteria 13 December 2019. Collection method: clinical testing. Allele origin: germline.

NM_001363711.2(DUOX2):c.1415C>A (p.Ala472Asp)

Gene: DUOX2 (dual oxidase 2; minus strand). Cytogenetic location: 15q21.1.
Variant type: single nucleotide variant.
Coding change: c.1415C>A on transcript NM_001363711.2 (MANE Select); coding-DNA position 1415, C replaced by A.
Protein change: p.Ala472Asp; replaces alanine 472 with aspartic acid.
Molecular consequence: missense variant.
Genome position (GRCh38, 1-based): chr15:45,108,206, G>T on the plus strand (C>A on the coding strand, the complement: DUOX2 is on the minus strand). VCF-style: chr15-45108206-G-T. GRCh37 (hg19) VCF-style: chr15-45400404-G-T.
Other names: c.1415C>A, p.Ala472Asp (NM_014080.5); short protein forms A472D.
Identifiers: ClinVar variation 886073 (VCV000886073.13), dbSNP rs201703879, ClinGen allele CA7538614.